The following is an entry in ClinVar:

ClinVar aggregate classification (germline): Uncertain significance. Review status: criteria provided, multiple submitters, no conflicts (2 of 4 stars). 2 submissions from 2 submitters: Uncertain significance (2). Last evaluated 2025-01-29.

Conditions:
Nemaline myopathy 10 (NEM10). Identifiers: MedGen C4015360, MONDO:0014513, OMIM 616165.

Allele frequency attached by ClinVar (database versions not stated): ExAC 0.00001; gnomAD 0.00001; gnomAD exomes 0.00003.

Submissions (2):

Revvity Omics, Revvity
Classification: Uncertain significance for Nemaline myopathy 10. Last evaluated: 2025-01-29. Review status: criteria provided, single submitter. Criteria: ACMG Guidelines, 2015. Collection method: clinical testing. Allele origin: germline.

Labcorp Genetics (formerly Invitae), Labcorp
Classification: Uncertain significance for Nemaline myopathy 10. Last evaluated: 2024-09-15. Review status: criteria provided, single submitter. Criteria: Invitae Variant Classification Sherloc (09022015). Collection method: clinical testing. Allele origin: germline.
Comment: This sequence change replaces arginine, which is basic and polar, with histidine, which is basic and polar, at codon 495 of the LMOD3 protein (p.Arg495His). This variant is present in population databases (rs780071005, gnomAD 0.03%). This variant has not been reported in the literature in individuals affected with LMOD3-related conditions. ClinVar contains an entry for this variant (Variation ID: 1398095). An algorithm developed to predict the effect of missense changes on protein structure and function (PolyPhen-2) suggests that this variant is likely to be disruptive. In summary, the available evidence is currently insufficient to determine the role of this variant in disease. Therefore, it has been classified as a Variant of Uncertain Significance.

NM_198271.5(LMOD3):c.1484G>A (p.Arg495His)

Gene: LMOD3 (leiomodin 3; minus strand). Cytogenetic location: 3p14.1.
Variant type: single nucleotide variant.
Coding change: c.1484G>A on transcript NM_198271.5 (MANE Select); coding-DNA position 1484, G replaced by A.
Protein change: p.Arg495His; replaces arginine 495 with histidine.
Molecular consequence: missense variant.
Genome position (GRCh38, 1-based): chr3:69,118,871, C>T on the plus strand (G>A on the coding strand, the complement: LMOD3 is on the minus strand). VCF-style: chr3-69118871-C-T. GRCh37 (hg19) VCF-style: chr3-69168022-C-T.
Other names: c.1484G>A, p.Arg495His (NM_001304418.3); c.1484G>A (NM_198271.4); short protein forms R495H.
Identifiers: ClinVar variation 1398095 (VCV001398095.7), dbSNP rs780071005, ClinGen allele CA2488762.